The following is an entry in ClinVar:

ClinVar aggregate classification (germline): Uncertain significance. Review status: criteria provided, multiple submitters, no conflicts (2 of 4 stars). 3 submissions from 3 submitters: Uncertain significance (3). Last evaluated 2023-06-17.

Conditions:
Marfan syndrome (MFS). Also called: FBN1-Related Marfan Syndrome; MARFAN SYNDROME, TYPE I; Marfan syndrome type 1; Marfan's syndrome; Marfan syndrome, classic. Identifiers: Orphanet 284963, Orphanet 558, MedGen C0024796, MONDO:0007947, OMIM 154700.
Familial thoracic aortic aneurysm and aortic dissection (TAAD). Also called: Thoracic aortic aneurysms and dissections. Identifiers: Orphanet 91387, MedGen C4707243, MONDO:0019625.

Submissions (3):

Labcorp Genetics (formerly Invitae), Labcorp
Classification: Uncertain significance for Marfan syndrome; Familial thoracic aortic aneurysm and aortic dissection. Last evaluated: 2023-06-17. Review status: criteria provided, single submitter. Criteria: Invitae Variant Classification Sherloc (09022015). Collection method: clinical testing. Allele origin: germline.
Comment: This sequence change falls in intron 29 of the FBN1 gene. It does not directly change the encoded amino acid sequence of the FBN1 protein. It affects a nucleotide within the consensus splice site. This variant is not present in population databases (gnomAD no frequency). This variant has not been reported in the literature in individuals affected with FBN1-related conditions. ClinVar contains an entry for this variant (Variation ID: 982896). Variants that disrupt the consensus splice site are a relatively common cause of aberrant splicing (PMID: 17576681, 9536098). Algorithms developed to predict the effect of sequence changes on RNA splicing suggest that this variant is not likely to affect RNA splicing. In summary, the available evidence is currently insufficient to determine the role of this variant in disease. Therefore, it has been classified as a Variant of Uncertain Significance.

CHEO Genetics Diagnostic Laboratory, Children's Hospital of Eastern Ontario
Classification: Uncertain significance for Familial thoracic aortic aneurysm and aortic dissection. Last evaluated: 2019-10-28. Review status: criteria provided, single submitter. Criteria: ACMG Guidelines, 2015. Collection method: clinical testing. Allele origin: germline.

Institute of Human Genetics, University of Leipzig Medical Center
Classification: Uncertain significance for Marfan syndrome. Last evaluated: 2019-01-01. Review status: criteria provided, single submitter. Criteria: ACMG Guidelines, 2015. Collection method: clinical testing. Allele origin: unknown. Affected: yes.
Comment: This variant was identified as compound heterozygous.

Literature cited by the submitters: PubMed 17576681 (cited by Labcorp Genetics (formerly Invitae), Labcorp); PubMed 9536098 (cited by Labcorp Genetics (formerly Invitae), Labcorp).

NM_000138.5(FBN1):c.3589+3A>G

Gene: FBN1 (fibrillin 1; minus strand). Cytogenetic location: 15q21.1.
Variant type: single nucleotide variant.
Coding change: c.3589+3A>G on transcript NM_000138.5 (MANE Select); 3 bases into the intron after coding-DNA position 3589, A replaced by G.
Molecular consequence: intron variant.
Genome position (GRCh38, 1-based): chr15:48,487,072, T>C on the plus strand (A>G on the coding strand, the complement: FBN1 is on the minus strand). VCF-style: chr15-48487072-T-C. GRCh37 (hg19) VCF-style: chr15-48779269-T-C.
Identifiers: ClinVar variation 982896 (VCV000982896.6), dbSNP rs2043513649, ClinGen allele CA1139663896.